The following is an entry in ClinVar:

ClinVar aggregate classification (germline): Uncertain significance (1 of 4 stars; one submission).

Conditions:
Fanconi anemia (FA). Also called: Fanconi's anemia. Identifiers: Orphanet 84, MedGen C0015625, MeSH D005199, MONDO:0019391.

Allele frequency attached by ClinVar (database versions not stated): gnomAD 0.00001; gnomAD exomes 0.00001.
gnomAD v4.1: 12 of 1,614,052 alleles (0.00074%); highest among the groups gnomAD compares: East Asian, 0.0067%; no homozygotes.

Submission:

Labcorp Genetics (formerly Invitae), Labcorp
Classification: Uncertain significance for Fanconi anemia. Last evaluated: 2024-02-17. Review status: criteria provided, single submitter. Criteria: Invitae Variant Classification Sherloc (09022015). Collection method: clinical testing. Allele origin: germline.
Comment: This sequence change replaces alanine, which is neutral and non-polar, with threonine, which is neutral and polar, at codon 1533 of the SLX4 protein (p.Ala1533Thr). This variant is present in population databases (no rsID available, gnomAD 0.02%). This variant has not been reported in the literature in individuals affected with SLX4-related conditions. ClinVar contains an entry for this variant (Variation ID: 1387521). Algorithms developed to predict the effect of missense changes on protein structure and function output the following: SIFT: "Not Available"; PolyPhen-2: "Benign"; Align-GVGD: "Not Available". The threonine amino acid residue is found in multiple mammalian species, which suggests that this missense change does not adversely affect protein function. In summary, the available evidence is currently insufficient to determine the role of this variant in disease. Therefore, it has been classified as a Variant of Uncertain Significance.

NM_032444.4(SLX4):c.4597G>A (p.Ala1533Thr)

Gene: SLX4 (SLX4 structure-specific endonuclease subunit; minus strand). Cytogenetic location: 16p13.3.
Variant type: single nucleotide variant.
Coding change: c.4597G>A on transcript NM_032444.4 (MANE Select); coding-DNA position 4597, G replaced by A.
Protein change: p.Ala1533Thr; replaces alanine 1533 with threonine.
Molecular consequence: missense variant.
Genome position (GRCh38, 1-based): chr16:3,589,041, C>T on the plus strand (G>A on the coding strand, the complement: SLX4 is on the minus strand). VCF-style: chr16-3589041-C-T. GRCh37 (hg19) VCF-style: chr16-3639042-C-T.
Other names: short protein forms A1533T.
Identifiers: ClinVar variation 1387521 (VCV001387521.8), dbSNP rs200377191, ClinGen allele CA394516809.